The following is an entry in ClinVar:

ClinVar aggregate classification (germline): Likely benign. Review status: criteria provided, single submitter (1 of 4 stars). 2 submissions from 2 submitters: Likely benign (1). 1 of the submissions does not count toward it. Last evaluated 2025-05-08.

Conditions:
GSN-related disorder. Also called: GSN-related condition.

Allele frequency attached by ClinVar (database versions not stated): gnomAD 0.00001; gnomAD exomes below 0.00001; TOPMed 0.00001.
gnomAD v4.1: 2 of 1,614,130 alleles (0.00012%); highest among the groups gnomAD compares: East Asian, 0.0045%; no homozygotes.

Submissions (2):

Labcorp Genetics (formerly Invitae), Labcorp
Classification: Likely benign. Last evaluated: 2025-05-08. Review status: criteria provided, single submitter. Criteria: Invitae Variant Classification Sherloc (09022015). Collection method: clinical testing. Allele origin: germline.

PreventionGenetics, part of Exact Sciences
Classification: Likely benign for GSN-related condition. Last evaluated: 2019-08-21. Review status: no assertion criteria provided. Collection method: clinical testing. Allele origin: germline. Not counted in ClinVar's aggregate classification.
Comment: This variant is classified as likely benign based on ACMG/AMP sequence variant interpretation guidelines (Richards et al. 2015 PMID: 25741868, with internal and published modifications).

NM_198252.3(GSN):c.30G>A (p.Lys10=)

Gene: GSN (gelsolin; plus strand). Cytogenetic location: 9q33.2.
Variant type: single nucleotide variant.
Coding change: c.30G>A on transcript NM_198252.3 (MANE Select); coding-DNA position 30, G replaced by A.
Protein change: p.Lys10=; no amino-acid change (lysine 10 retained).
Molecular consequence: synonymous variant. On other transcripts: intron variant (1).
Genome position (GRCh38, 1-based): chr9:121,302,001, G>A. VCF-style: chr9-121302001-G-A. GRCh37 (hg19) VCF-style: chr9-124064279-G-A.
Other names: c.183G>A, p.Lys61= (NM_000177.5); c.30G>A, p.Lys10= (NM_001127662.2, NM_001127664.2, NM_001127665.2 and 10 more transcripts); c.138G>A, p.Lys46= (NM_001127663.2); c.63G>A, p.Lys21= (NM_001127666.2, NM_001127667.2, NM_001353063.2 and 13 more transcripts); c.81G>A, p.Lys27= (NM_001258029.2); c.54G>A, p.Lys18= (NM_001258030.2); c.102G>A, p.Lys34= (NM_001353076.2); c.-458-910G>A (NM_001353078.2).
Identifiers: ClinVar variation 3053431 (VCV003053431.3), dbSNP rs1564478729, ClinGen allele CA466956240.